The following is an entry in ClinVar:

NM_006767.4(LZTR1):c.960C>G (p.Thr320=)

Gene: LZTR1 (leucine zipper like post translational regulator 1; plus strand). Cytogenetic location: 22q11.21.
Variant type: single nucleotide variant.
Coding change: c.960C>G on transcript NM_006767.4 (MANE Select); coding-DNA position 960, C replaced by G.
Protein change: p.Thr320=; no amino-acid change (threonine 320 retained).
Molecular consequence: synonymous variant.
Genome position (GRCh38, 1-based): chr22:20,991,796, C>G. VCF-style: chr22-20991796-C-G. GRCh37 (hg19) VCF-style: chr22-21346085-C-G.
Identifiers: ClinVar variation 3251465 (VCV003251465.1), dbSNP rs1358367275.

ClinVar aggregate classification (germline): Likely benign (1 of 4 stars; one submission).

Submission:

Women's Health and Genetics/Laboratory Corporation of America, LabCorp
Classification: Likely benign. Last evaluated: 2024-04-08. Review status: criteria provided, single submitter. Criteria: LabCorp Variant Classification Summary - May 2015. Collection method: clinical testing. Allele origin: germline.
Comment: Variant summary: LZTR1 c.960C>G alters a conserved nucleotide resulting in a synonymous change. Consensus agreement among computation tools predict no significant impact on normal splicing. However, these predictions have yet to be confirmed by functional studies. The variant was absent in 31334 control chromosomes. The available data on variant occurrences in the general population are insufficient to allow any conclusion about variant significance. To our knowledge, no occurrence of c.960C>G in individuals affected with Noonan Syndrome and no experimental evidence demonstrating its impact on protein function have been reported. No submitters have cited clinical-significance assessments for this variant to ClinVar. Based on the evidence outlined above, the variant was classified as likely benign.